The following is an entry in ClinVar:

ClinVar aggregate classification (germline): Uncertain significance. Review status: criteria provided, multiple submitters, no conflicts (2 of 4 stars). 2 submissions from 2 submitters: Uncertain significance (2). Last evaluated 2025-04-28.

Conditions:
Inborn genetic diseases. Identifiers: MedGen C0950123, MeSH D030342.
Acute myeloid leukemia (AML). Also called: Acute myeloid leukemia, adult; AML adult; Acute non-lymphocytic leukemia; Acute granulocytic leukemia; Leukemia, acute myeloid, somatic; Leukemia, acute myelogenous, somatic. Identifiers: Orphanet 519, MedGen C0023467, MeSH D015470, MONDO:0018874, OMIM 601626, HP:0004808. Disease mechanism: Constitutively activated FLT3.

Allele frequency attached by ClinVar (database versions not stated): TOPMed below 0.00001.

Submissions (2):

Ambry Genetics
Classification: Uncertain significance for Inborn genetic diseases. Last evaluated: 2025-04-28. Review status: criteria provided, single submitter. Criteria: Ambry Variant Classification Scheme 2023. Collection method: clinical testing. Allele origin: germline.
Comment: The p.A154V variant (also known as c.461C>T), located in coding exon 1 of the CEBPA gene, results from a C to T substitution at nucleotide position 461. The alanine at codon 154 is replaced by valine, an amino acid with similar properties. This amino acid position is conserved. In addition, this alteration is predicted to be tolerated by in silico analysis. Based on the available evidence, the clinical significance of this variant remains unclear.

Labcorp Genetics (formerly Invitae), Labcorp
Classification: Uncertain significance for Acute myeloid leukemia. Last evaluated: 2021-12-02. Review status: criteria provided, single submitter. Criteria: Invitae Variant Classification Sherloc (09022015). Collection method: clinical testing. Allele origin: germline.
Comment: In summary, the available evidence is currently insufficient to determine the role of this variant in disease. Therefore, it has been classified as a Variant of Uncertain Significance. This sequence change replaces alanine, which is neutral and non-polar, with valine, which is neutral and non-polar, at codon 154 of the CEBPA protein (p.Ala154Val). The frequency data for this variant in the population databases is considered unreliable, as metrics indicate insufficient coverage at this position in the gnomAD database. This variant has not been reported in the literature in individuals affected with CEBPA-related conditions. Algorithms developed to predict the effect of missense changes on protein structure and function (SIFT, PolyPhen-2, Align-GVGD) all suggest that this variant is likely to be tolerated.

NM_004364.5(CEBPA):c.461C>T (p.Ala154Val)

Gene: CEBPA (CCAAT enhancer binding protein alpha; minus strand). Cytogenetic location: 19q13.11.
Variant type: single nucleotide variant.
Coding change: c.461C>T on transcript NM_004364.5 (MANE Select); coding-DNA position 461, C replaced by T.
Protein change: p.Ala154Val; replaces alanine 154 with valine.
Molecular consequence: missense variant.
Genome position (GRCh38, 1-based): chr19:33,301,954, G>A on the plus strand (C>T on the coding strand, the complement: CEBPA is on the minus strand). VCF-style: chr19-33301954-G-A. GRCh37 (hg19) VCF-style: chr19-33792860-G-A.
Other names: c.104C>T, p.Ala35Val (NM_001285829.2); c.566C>T, p.Ala189Val (NM_001287424.2); c.419C>T, p.Ala140Val (NM_001287435.2); short protein forms A154V, A189V, A35V, A140V.
Identifiers: ClinVar variation 2063224 (VCV002063224.5), dbSNP rs1967183543, ClinGen allele CA405274903.
Genomic context (GRCh38, chr19:33,301,954, plus strand): 5'-GCCAGCTGCTTGGCTTCATCCTCCTCGCGGGGCTCCTGCTTGATCACCAGCGGCCGCAGC[G>A]CCGGCGCCCCGACGCGCTCGTACAGGGGCTCCAGCCTGCCGTCCAGGTAGCCGGCGGCCG-3'
Protein context (NP_004355.2, residues 144-164): EPLYERVGAP[Ala154Val]LRPLVIKQEP